The following is an entry in ClinVar:

NM_001613.4(ACTA2):c.616G>A (p.Ala206Thr)

Gene: ACTA2 (actin alpha 2, smooth muscle; minus strand). Cytogenetic location: 10q23.31.
Variant type: single nucleotide variant.
Coding change: c.616G>A on transcript NM_001613.4 (MANE Select); coding-DNA position 616, G replaced by A.
Protein change: p.Ala206Thr; replaces alanine 206 with threonine.
Molecular consequence: missense variant.
Genome position (GRCh38, 1-based): chr10:88,941,229, C>T on the plus strand (G>A on the coding strand, the complement: ACTA2 is on the minus strand). VCF-style: chr10-88941229-C-T. GRCh37 (hg19) VCF-style: chr10-90700986-C-T.
Other names: c.616G>A, p.Ala206Thr (NM_001141945.3, NM_001320855.2, NM_001406462.1 and 2 more transcripts); c.505G>A, p.Ala169Thr (NM_001406466.1); c.487G>A, p.Ala163Thr (NM_001406467.1, NM_001406468.1, NM_001406469.1); c.616G>A, p.Gly206Arg (NM_001406471.1); short protein forms A206T, G206R, A169T, A163T.
Identifiers: ClinVar variation 284156 (VCV000284156.14), dbSNP rs886042811, ClinGen allele CA10604711.

ClinVar aggregate classification (germline): Conflicting classifications of pathogenicity. Review status: criteria provided, conflicting classifications (1 of 4 stars). 2 submissions from 2 submitters: Likely pathogenic (1); Uncertain significance (1). Last evaluated 2021-07-08.

Conditions:
Aortic aneurysm, familial thoracic 6 (AAT6). Also called: FAMILIAL THORACIC AORTIC ANEURYSM WITH LIVEDO RETICULARIS AND IRIS FLOCCULI. Identifiers: MedGen C2673186, MONDO:0012730, OMIM 611788.

Submissions (2):

Labcorp Genetics (formerly Invitae), Labcorp
Classification: Likely pathogenic for Aortic aneurysm, familial thoracic 6. Last evaluated: 2021-07-08. Review status: criteria provided, single submitter. Criteria: Invitae Variant Classification Sherloc (09022015). Collection method: clinical testing. Allele origin: germline.
Comment: In summary, the currently available evidence indicates that the variant is pathogenic, but additional data are needed to prove that conclusively. Therefore, this variant has been classified as Likely Pathogenic. Algorithms developed to predict the effect of sequence changes on RNA splicing suggest that this variant may disrupt the consensus splice site. Algorithms developed to predict the effect of missense changes on protein structure and function (SIFT, PolyPhen-2, Align-GVGD) all suggest that this variant is likely to be disruptive. ClinVar contains an entry for this variant (Variation ID: 284156). This variant has been observed in individual(s) with aortic root dilation (Invitae). In at least one individual the variant was observed to be de novo. This variant is not present in population databases (ExAC no frequency). This sequence change replaces alanine with threonine at codon 206 of the ACTA2 protein (p.Ala206Thr). The alanine residue is highly conserved and there is a small physicochemical difference between alanine and threonine.

Eurofins Ntd Llc (ga)
Classification: Uncertain significance. Last evaluated: 2015-11-20. Review status: criteria provided, single submitter. Criteria: EGL Classification Definitions 2015. Collection method: clinical testing. Allele origin: germline. Observed: 1 variant allele, 1 heterozygote.